The following is an entry in ClinVar:

NM_001042492.3(NF1):c.6658A>C (p.Ile2220Leu)

Gene: NF1 (neurofibromin 1; plus strand). Cytogenetic location: 17q11.2.
Variant type: single nucleotide variant.
Coding change: c.6658A>C on transcript NM_001042492.3 (MANE Select); coding-DNA position 6658, A replaced by C.
Protein change: p.Ile2220Leu; replaces isoleucine 2220 with leucine.
Molecular consequence: missense variant.
Genome position (GRCh38, 1-based): chr17:31,337,834, A>C. VCF-style: chr17-31337834-A-C. GRCh37 (hg19) VCF-style: chr17-29664852-A-C.
Other names: c.6595A>C, p.Ile2199Leu (NM_000267.4); short protein forms I2199L, I2220L.
Identifiers: ClinVar variation 656655 (VCV000656655.5), dbSNP rs781284066, ClinGen allele CA399013738.

ClinVar aggregate classification (germline): Uncertain significance (1 of 4 stars; one submission).

Conditions:
Neurofibromatosis, type 1 (NF1). Also called: VON RECKLINGHAUSEN DISEASE; NEUROFIBROMATOSIS, TYPE I, SOMATIC; Peripheral type neurofibromatosis; Neurofibromatosis, type I. Identifiers: Orphanet 636, MedGen C0027831, MONDO:0018975, OMIM 162200. Disease mechanism: loss of function.

Submission:

Labcorp Genetics (formerly Invitae), Labcorp
Classification: Uncertain significance for Neurofibromatosis, type 1. Last evaluated: 2018-07-28. Review status: criteria provided, single submitter. Criteria: Invitae Variant Classification Sherloc (09022015). Collection method: clinical testing. Allele origin: germline.
Comment: This sequence change replaces isoleucine with leucine at codon 2199 of the NF1 protein (p.Ile2199Leu). The isoleucine residue is moderately conserved and there is a small physicochemical difference between isoleucine and leucine. This variant is not present in population databases (ExAC no frequency). This variant has not been reported in the literature in individuals with NF1-related disease. Algorithms developed to predict the effect of missense changes on protein structure and function are either unavailable or do not agree on the potential impact of this missense change (SIFT: "Deleterious"; PolyPhen-2: "Possibly Damaging"; Align-GVGD: "Class C0"). In summary, the available evidence is currently insufficient to determine the role of this variant in disease. Therefore, it has been classified as a Variant of Uncertain Significance.